The following is an entry in ClinVar:

NM_000548.5(TSC2):c.2812A>G (p.Thr938Ala)

Gene: TSC2 (TSC complex subunit 2; plus strand). Cytogenetic location: 16p13.3.
Variant type: single nucleotide variant.
Coding change: c.2812A>G on transcript NM_000548.5 (MANE Select); coding-DNA position 2812, A replaced by G.
Protein change: p.Thr938Ala; replaces threonine 938 with alanine.
Molecular consequence: missense variant. On other transcripts: non-coding transcript variant (5).
Genome position (GRCh38, 1-based): chr16:2,076,560, A>G. VCF-style: chr16-2076560-A-G. GRCh37 (hg19) VCF-style: chr16-2126561-A-G.
Other names: c.2812A>G, p.Thr938Ala (NM_001077183.3, NM_001114382.3, NM_001363528.2 and 6 more transcripts); c.2701A>G, p.Thr901Ala (NM_001318827.2, NM_001406678.1, NM_001406670.1); c.2665A>G, p.Thr889Ala (NM_001318829.2, NM_001406676.1, NM_001406679.1 and 1 more transcripts); c.2212A>G, p.Thr738Ala (NM_001318831.2, NM_001406680.1, NM_001406682.1 and 6 more transcripts); c.2845A>G, p.Thr949Ala (NM_001318832.2); c.2755A>G, p.Thr919Ala (NM_001406677.1); c.2350A>G, p.Thr784Ala (NM_001406681.1); c.1468A>G, p.Thr490Ala (NM_001406695.1, NM_001406696.1, NM_001406697.1 and 6 more transcripts); and 3 more; short protein forms T404A, T490A, T738A, T784A, T889A, T901A, T919A, T934A.
Identifiers: ClinVar variation 4757398 (VCV004757398.1).
Genomic context (GRCh38, chr16:2,076,560, plus strand): 5'-TCCAATGTCCTCTTGTCTTTTGATGACACCCCCGAGAAGGACAGCTTCAGGGCCCGGAGT[A>G]CTAGTCTCAACGAGAGACCCAAGAGGTACGGCCTGCGGGGGTGTGCCTGGAGTCGGTGTG-3'
Protein context (NP_000539.2, residues 928-948): PEKDSFRARS[Thr938Ala]SLNERPKSLR

ClinVar aggregate classification (germline): Uncertain significance (1 of 4 stars; one submission).

Conditions:
Tuberous sclerosis syndrome (TSC). Also called: Tuberous Sclerosis Complex; Tuberous sclerosis. Identifiers: Orphanet 805, MedGen C0041341, MONDO:0001734.

Submission:

Color Diagnostics, LLC DBA Color Health
Classification: Uncertain significance for Tuberous sclerosis syndrome. Last evaluated: 2025-07-07. Review status: criteria provided, single submitter. Criteria: ACMG Guidelines, 2015. Collection method: clinical testing. Allele origin: germline.
Comment: This missense variant replaces threonine with alanine at codon 938 of the TSC2 protein. Computational prediction is inconclusive regarding the impact of this variant on protein structure and function. To our knowledge, functional studies have not been reported for this variant. This variant has not been reported in individuals affected with TSC2-related disorders in the literature. This variant has not been identified in the general population by the Genome Aggregation Database (gnomAD). The available evidence is insufficient to determine the role of this variant in disease conclusively. Therefore, this variant is classified as a Variant of Uncertain Significance.